The following is an entry in ClinVar:

ClinVar aggregate classification (germline): Uncertain significance (1 of 4 stars; one submission).

Conditions:
Intellectual developmental disorder, autosomal recessive 7. Also called: Intellectual disability, autosomal recessive 7. Identifiers: Orphanet 88616, MedGen C1970197, MONDO:0012615, OMIM 611093.

Submission:

Labcorp Genetics (formerly Invitae), Labcorp
Classification: Uncertain significance for Intellectual developmental disorder, autosomal recessive 7. Last evaluated: 2023-03-02. Review status: criteria provided, single submitter. Criteria: Invitae Variant Classification Sherloc (09022015). Collection method: clinical testing. Allele origin: unknown.
Comment: This variant has not been reported in the literature in individuals affected with TUSC3-related conditions. This variant is a gross deletion of the genomic region encompassing exon(s) 3-10 of the TUSC3 gene, which includes the termination codon. This deletion extends beyond the assayed region for this gene and therefore may encompass additional genes. While this deletion is not anticipated to lead to nonsense mediated decay, it is expected to alter mRNA translation or result in a truncated protein product. In summary, the available evidence is currently insufficient to determine the role of this variant in disease. Therefore, it has been classified as a Variant of Uncertain Significance.

NC_000008.10:g.(?_15508186)_(15615318_?)del

Gene: TUSC3 (tumor suppressor candidate 3; plus strand). Cytogenetic location: 8p22.
Variant type: Deletion.
Identifiers: ClinVar variation 3245516 (VCV003245516.1).